The following is an entry in ClinVar:

NM_020638.3(FGF23):c.686G>A (p.Gly229Asp)

Gene: FGF23 (fibroblast growth factor 23; minus strand). Cytogenetic location: 12p13.32.
Variant type: single nucleotide variant.
Coding change: c.686G>A on transcript NM_020638.3 (MANE Select); coding-DNA position 686, G replaced by A.
Protein change: p.Gly229Asp; replaces glycine 229 with aspartic acid.
Molecular consequence: missense variant.
Genome position (GRCh38, 1-based): chr12:4,370,413, C>T on the plus strand (G>A on the coding strand, the complement: FGF23 is on the minus strand). VCF-style: chr12-4370413-C-T. GRCh37 (hg19) VCF-style: chr12-4479579-C-T.
Other names: c.686G>A (NM_020638.2); short protein forms G229D.
Identifiers: ClinVar variation 1406065 (VCV001406065.9), dbSNP rs1033823201, ClinGen allele CA231757335.

ClinVar aggregate classification (germline): Uncertain significance. Review status: criteria provided, multiple submitters, no conflicts (2 of 4 stars). 4 submissions from 4 submitters: Uncertain significance (4). Last evaluated 2025-09-11.

Conditions:
Tumoral calcinosis, hyperphosphatemic, familial, 2. Identifiers: MedGen C4693863, MONDO:0060714, OMIM 617993.
Autosomal dominant hypophosphatemic rickets (ADHR). Also called: VITAMIN D-RESISTANT RICKETS, AUTOSOMAL DOMINANT; HYPOPHOSPHATEMIA, AUTOSOMAL DOMINANT. Identifiers: Orphanet 89937, MedGen C0342642, MONDO:0008660, OMIM 193100.
Inborn genetic diseases. Identifiers: MedGen C0950123, MeSH D030342.

Allele frequency attached by ClinVar (database versions not stated): gnomAD exomes below 0.00001 and 0.00001; TOPMed 0.00001.
gnomAD v4.1: 8 of 1,613,784 alleles (0.0005%); highest among the groups gnomAD compares: Middle Eastern, 0.017%; no homozygotes.

Submissions (4):

Ambry Genetics
Classification: Uncertain significance for Inborn genetic diseases. Last evaluated: 2025-09-11. Review status: criteria provided, single submitter. Criteria: Ambry Variant Classification Scheme 2023. Collection method: clinical testing. Allele origin: germline.

Women's Health and Genetics/Laboratory Corporation of America, LabCorp
Classification: Uncertain significance. Last evaluated: 2025-05-20. Review status: criteria provided, single submitter. Criteria: LabCorp Variant Classification Summary - May 2015. Collection method: clinical testing. Allele origin: germline.
Comment: Variant summary: FGF23 c.686G>A (p.Gly229Asp) results in a non-conservative amino acid change in the encoded protein sequence. Algorithms developed to predict the effect of missense changes on protein structure and function are either unavailable or do not agree on the potential impact of this missense change. The variant allele was found at a frequency of 4e-06 in 250772 control chromosomes. The available data on variant occurrences in the general population are insufficient to allow any conclusion about variant significance. To our knowledge, no occurrence of c.686G>A in individuals affected with Autosomal Dominant Hypophosphatemic Rickets and no experimental evidence demonstrating its impact on protein function have been reported. ClinVar contains an entry for this variant (Variation ID: 1406065). Based on the evidence outlined above, the variant was classified as uncertain significance.

Labcorp Genetics (formerly Invitae), Labcorp
Classification: Uncertain significance. Last evaluated: 2024-09-03. Review status: criteria provided, single submitter. Criteria: Invitae Variant Classification Sherloc (09022015). Collection method: clinical testing. Allele origin: germline.
Comment: This sequence change replaces glycine, which is neutral and non-polar, with aspartic acid, which is acidic and polar, at codon 229 of the FGF23 protein (p.Gly229Asp). This variant is present in population databases (no rsID available, gnomAD 0.0009%). This variant has not been reported in the literature in individuals affected with FGF23-related conditions. ClinVar contains an entry for this variant (Variation ID: 1406065). Invitae Evidence Modeling of protein sequence and biophysical properties (such as structural, functional, and spatial information, amino acid conservation, physicochemical variation, residue mobility, and thermodynamic stability) has been performed for this missense variant. However, the output from this modeling did not meet the statistical confidence thresholds required to predict the impact of this variant on FGF23 protein function. In summary, the available evidence is currently insufficient to determine the role of this variant in disease. Therefore, it has been classified as a Variant of Uncertain Significance.

Fulgent Genetics
Classification: Uncertain significance for Autosomal dominant hypophosphatemic rickets; Tumoral calcinosis, hyperphosphatemic, familial, 2. Last evaluated: 2024-06-17. Review status: criteria provided, single submitter. Criteria: ACMG Guidelines, 2015. Collection method: clinical testing. Allele origin: germline.